The following is an entry in ClinVar:

ClinVar aggregate classification (germline): Benign (1 of 4 stars; one submission).

Allele frequency attached by ClinVar (database versions not stated): 1000 Genomes Project 30x 0.10931; 1000 Genomes Project 0.11022; TOPMed 0.12864; gnomAD 0.13492 and 0.13651.
gnomAD v4.1: 20,573 of 151,764 alleles (14%); highest among the groups gnomAD compares: Middle Eastern, 18%; 1,489 homozygotes.

Submission:

GeneDx
Classification: Benign. Last evaluated: 2018-06-14. Review status: criteria provided, single submitter. Criteria: GeneDx Variant Classification (06012015). Collection method: clinical testing. Allele origin: germline. Affected: yes.
Comment: This variant is considered likely benign or benign based on one or more of the following criteria: it is a conservative change, it occurs at a poorly conserved position in the protein, it is predicted to be benign by multiple in silico algorithms, and/or has population frequency not consistent with disease.

NM_000642.3(AGL):c.2308+216C>A

Gene: AGL (amylo-alpha-1,6-glucosidase and 4-alpha-glucanotransferase; plus strand). Cytogenetic location: 1p21.2.
Variant type: single nucleotide variant.
Coding change: c.2308+216C>A on transcript NM_000642.3 (MANE Select); 216 bases into the intron after coding-DNA position 2308, C replaced by A.
Molecular consequence: intron variant.
Genome position (GRCh38, 1-based): chr1:99,881,907, C>A. VCF-style: chr1-99881907-C-A. GRCh37 (hg19) VCF-style: chr1-100347463-C-A.
Other names: c.2308+216C>A (NM_000643.3, NM_000644.3, NM_001425326.1 and 2 more transcripts); c.2260+216C>A (NM_000646.3); c.2107+216C>A (NM_001425327.1); c.2104+216C>A (NM_001425328.1, NM_001425329.1); c.1930+216C>A (NM_001425332.1).
Identifiers: ClinVar variation 680037 (VCV000680037.1), dbSNP rs1389381, ClinGen allele CA16062072.